The following is an entry in ClinVar:

NM_017950.4(CCDC40):c.2824_2825insTGT (p.Arg942delinsMetTrp)

Gene: CCDC40 (coiled-coil domain 40 molecular ruler complex subunit; plus strand). Cytogenetic location: 17q25.3.
Variant type: Insertion.
Coding change: c.2824_2825insTGT on transcript NM_017950.4 (MANE Select); coding-DNA positions 2824 to 2825, TGT inserted.
Protein change: p.Arg942delinsMetTrp.
Molecular consequence: inframe indel.
Genome position: GRCh38 VCF-style: chr17-80089876-A-ATGT. GRCh37 (hg19) VCF-style: chr17-78063675-A-ATGT.
Other names: c.2824_2825insTGT, p.Arg942delinsMetTrp (NM_001243342.2).
Identifiers: ClinVar variation 65930 (VCV000065930.3), dbSNP rs587778819, ClinGen allele CA345262.

ClinVar aggregate classification (germline): Pathogenic (0 of 4 stars; one submission).

Conditions:
Primary ciliary dyskinesia 15. Also called: CILIARY DYSKINESIA, PRIMARY, 15, WITH OR WITHOUT SITUS INVERSUS. Identifiers: Orphanet 244, MedGen C3151137, MONDO:0013435, OMIM 613808.

Submission:

GeneReviews
Classification: Pathogenic for Primary Ciliary Dyskinesia. Last evaluated: 2011-09-15. Review status: no assertion criteria provided. Collection method: curation. Allele origin: unknown.
ClinVar note: Converted during submission from pathologic to Pathogenic.